The following is an entry in ClinVar:

ClinVar aggregate classification (germline): Likely benign (1 of 4 stars; one submission).

Conditions:
SMPD1-related disorder. Also called: SMPD1-related condition.

Submission:

PreventionGenetics, part of Exact Sciences
Classification: Likely benign for SMPD1-related condition. Last evaluated: 2026-02-06. Review status: criteria provided, single submitter. Criteria: ACMG Guidelines, 2015. Collection method: clinical testing. Allele origin: germline.
Comment: This variant is classified as likely benign based on ACMG/AMP sequence variant interpretation guidelines (Richards et al. 2015 PMID: 25741868, with internal and published modifications).

NM_000543.5(SMPD1):c.109_115delinsT (p.38AL[5])

Gene: SMPD1 (sphingomyelin phosphodiesterase 1; plus strand). Cytogenetic location: 11p15.4.
Variant type: Indel.
Coding change: c.109_115delinsT on transcript NM_000543.5 (MANE Select); coding-DNA positions 109 to 115, CTGGCGC replaced by T.
Protein change: p.38AL[5].
Molecular consequence: inframe deletion. On other transcripts: 5 prime UTR variant (1), non-coding transcript variant (2).
Genome position (GRCh38, 1-based): chr11:6,390,707-6,390,713, CTGGCGC replaced by T. VCF-style: chr11-6390707-CTGGCGC-T. GRCh37 (hg19) VCF-style: chr11-6411937-CTGGCGC-T.
Other names: c.109_115delinsT, p.38AL[5] (NM_001007593.3, NM_001318087.2, NM_001365135.2); c.-853_-847delinsT (NM_001318088.2).
Identifiers: ClinVar variation 4992536 (VCV004992536.1).